The following is an entry in ClinVar:

NM_000222.3(KIT):c.2829C>A (p.Ser943Arg)

Gene: KIT (KIT proto-oncogene, receptor tyrosine kinase; plus strand). Cytogenetic location: 4q12.
Variant type: single nucleotide variant.
Coding change: c.2829C>A on transcript NM_000222.3 (MANE Select); coding-DNA position 2829, C replaced by A.
Protein change: p.Ser943Arg; replaces serine 943 with arginine.
Molecular consequence: missense variant.
Genome position (GRCh38, 1-based): chr4:54,738,455, C>A. VCF-style: chr4-54738455-C-A. GRCh37 (hg19) VCF-style: chr4-55604621-C-A.
Other names: c.2817C>A, p.Ser939Arg (NM_001093772.2, NM_001385292.1); c.2832C>A, p.Ser944Arg (NM_001385284.1); c.2826C>A, p.Ser942Arg (NM_001385285.1); c.2814C>A, p.Ser938Arg (NM_001385286.1); c.2820C>A, p.Ser940Arg (NM_001385288.1); c.2829C>A, p.Ser943Arg (NM_001385290.1); short protein forms S939R, S942R, S940R, S938R, S943R, S944R.
Identifiers: ClinVar variation 3534734 (VCV003534734.1).

ClinVar aggregate classification (germline): Uncertain significance (1 of 4 stars; one submission).

Conditions:
Hereditary cancer-predisposing syndrome. Also called: Hereditary Cancer Syndrome; Hereditary neoplastic syndrome; Tumor predisposition; Neoplastic Syndromes, Hereditary. Identifiers: Orphanet 140162, MedGen C0027672, MeSH D009386, MONDO:0015356.

gnomAD v4.1: 1 of 1,614,028 alleles (0.000062%); highest among the groups gnomAD compares: Non-Finnish European, 0.000085%; no homozygotes.

Submission:

Ambry Genetics
Classification: Uncertain significance for Hereditary cancer-predisposing syndrome. Last evaluated: 2024-11-15. Review status: criteria provided, single submitter. Criteria: Ambry Variant Classification Scheme 2023. Collection method: clinical testing. Allele origin: germline.
Comment: The p.S943R variant (also known as c.2829C>A), located in coding exon 21 of the KIT gene, results from a C to A substitution at nucleotide position 2829. The serine at codon 943 is replaced by arginine, an amino acid with dissimilar properties. This amino acid position is conserved. In addition, this alteration is predicted to be tolerated by in silico analysis. Based on the available evidence, the clinical significance of this variant remains unclear.